The following is an entry in ClinVar:

ClinVar aggregate classification (germline): Uncertain significance (1 of 4 stars; one submission).

Conditions:
Inborn genetic diseases. Identifiers: MedGen C0950123, MeSH D030342.

Submission:

Ambry Genetics
Classification: Uncertain significance for Inborn genetic diseases. Last evaluated: 2026-04-27. Review status: criteria provided, single submitter. Criteria: Ambry Variant Classification Scheme 2023. Collection method: clinical testing. Allele origin: germline.
Comment: The p.L1211F variant (also known as c.3631C>T), located in coding exon 1 of the SAMD9 gene, results from a C to T substitution at nucleotide position 3631. The leucine at codon 1211 is replaced by phenylalanine, an amino acid with highly similar properties. This amino acid position is conserved. In addition, this alteration is predicted to be tolerated by in silico analysis. Based on the available evidence, the clinical significance of this variant remains unclear.

NM_017654.4(SAMD9):c.3631C>T (p.Leu1211Phe)

Gene: SAMD9 (sterile alpha motif domain containing 9; minus strand). Cytogenetic location: 7q21.2.
Variant type: single nucleotide variant.
Coding change: c.3631C>T on transcript NM_017654.4 (MANE Select); coding-DNA position 3631, C replaced by T.
Protein change: p.Leu1211Phe; replaces leucine 1211 with phenylalanine.
Molecular consequence: missense variant.
Genome position (GRCh38, 1-based): chr7:93,102,467, G>A on the plus strand (C>T on the coding strand, the complement: SAMD9 is on the minus strand). VCF-style: chr7-93102467-G-A. GRCh37 (hg19) VCF-style: chr7-92731780-G-A.
Other names: c.3631C>T, p.Leu1211Phe (NM_001193307.2); short protein forms L1211F.
Identifiers: ClinVar variation 4863834 (VCV004863834.1).